The following is an entry in ClinVar:

NM_181486.4(TBX5):c.243-1G>T

Gene: TBX5 (T-box transcription factor 5; minus strand). Cytogenetic location: 12q24.21.
Variant type: single nucleotide variant.
Coding change: c.243-1G>T on transcript NM_181486.4 (MANE Select); the canonical splice acceptor site of the intron before coding-DNA position 243, G replaced by T.
Molecular consequence: splice acceptor variant.
Genome position (GRCh38, 1-based): chr12:114,399,633, C>A on the plus strand (G>T on the coding strand, the complement: TBX5 is on the minus strand). VCF-style: chr12-114399633-C-A. GRCh37 (hg19) VCF-style: chr12-114837438-C-A.
Other names: c.93-1G>T (NM_080717.4); c.243-1G>T (NM_000192.3).
Identifiers: ClinVar variation 3254820 (VCV003254820.1), dbSNP rs1871673582.

ClinVar aggregate classification (germline): Pathogenic (1 of 4 stars; one submission).

Conditions:
Holt-Oram syndrome (HOS). Also called: TBX5-Related Holt-Oram Syndrome; Ventriculo-radial syndrome; Cardiac-limb syndrome; Heart-hand syndrome, type 1. Identifiers: Orphanet 392, MedGen C0265264, MONDO:0007732, OMIM 142900.

Submission:

Victorian Clinical Genetics Services, Murdoch Childrens Research Institute
Classification: Pathogenic for Holt-Oram syndrome. Last evaluated: 2023-07-17. Review status: criteria provided, single submitter. Criteria: ACMG Guidelines, 2015. Collection method: clinical testing. Allele origin: germline. Inheritance: Autosomal dominant inheritance. Affected: yes.
Comment: Based on the classification scheme VCGS_Germline_v1.3.4, this variant is classified as Pathogenic. Following criteria are met: 0103 - Loss of function and gain of function are known mechanisms of disease in this gene and are associated with Holt-Oram syndrome (MIM#142900). Variants resulting in a premature termination codon have a loss of function effect, while both loss- and gain of function have been demonstrated by missense variants (PMID: 18451335). Dominant negative has also been suggested as a mechanism in individuals with severe congenital heart disease (PMID: 30552424). (I) 0107 - This gene is associated with autosomal dominant disease. (I) 0112 - The condition associated with this gene has incomplete penetrance (PMID: 30552424). (I) 0211 - Canonical splice site variant without proven consequence on splicing (no functional evidence available). (SP) 0251 - This variant is heterozygous. (I) 0301 - Variant is absent from gnomAD (both v2 and v3). (SP) 0505 - Abnormal splicing is predicted by in silico tools and affected nucleotide is highly conserved. (SP) 0702 - Other canonical splice variants comparable to the one identified in this case have strong previous evidence for pathogenicity. c.243-1G>C and c.243-2A>G have been observed in individuals with Holt-Oram syndrome, with the former shown to be de novo (PMIDs: 15710732, 30538526). c.234-1G>A has been classified as likely pathogenic by a clinical laboratory in ClinVar. (SP) 0807 - This variant has no previous evidence of pathogenicity. (I) 0905 - No published segregation evidence has been identified for this variant. (I) 1007 - No published functional evidence has been identified for this variant. (SP) Legend: (SP) - Supporting pathogenic, (I) - Information, (SB) - Supporting benign

Literature cited by the submitters: PubMed 15710732; PubMed 18451335; PubMed 30538526; PubMed 30552424.